The following is an entry in ClinVar:

NM_139076.3(ABRAXAS1):c.1171G>A (p.Asp391Asn)

Gene: ABRAXAS1 (abraxas 1, BRCA1 A complex subunit; minus strand). Cytogenetic location: 4q21.23.
Variant type: single nucleotide variant.
Coding change: c.1171G>A on transcript NM_139076.3 (MANE Select); coding-DNA position 1171, G replaced by A.
Protein change: p.Asp391Asn; replaces aspartic acid 391 with asparagine.
Molecular consequence: missense variant.
Genome position (GRCh38, 1-based): chr4:83,462,528, C>T on the plus strand (G>A on the coding strand, the complement: ABRAXAS1 is on the minus strand). VCF-style: chr4-83462528-C-T. GRCh37 (hg19) VCF-style: chr4-84383681-C-T.
Other names: c.844G>A, p.Asp282Asn (NM_001345962.2); short protein forms D391N, D282N.
Identifiers: ClinVar variation 3994411 (VCV003994411.1).

ClinVar aggregate classification (germline): Uncertain significance (1 of 4 stars; one submission).

Submission:

Ambry Genetics
Classification: Uncertain significance. Last evaluated: 2025-04-03. Review status: criteria provided, single submitter. Criteria: Ambry Variant Classification Scheme 2023. Collection method: clinical testing. Allele origin: germline.
Comment: The p.D391N variant (also known as c.1171G>A), located in coding exon 9 of the FAM175A gene, results from a G to A substitution at nucleotide position 1171. The aspartic acid at codon 391 is replaced by asparagine, an amino acid with highly similar properties. This amino acid position is conserved. In addition, this alteration is predicted to be tolerated by in silico analysis. Based on the available evidence, the clinical significance of this variant remains unclear.